The following is an entry in ClinVar:

NM_004431.5(EPHA2):c.469G>A (p.Glu157Lys)

Gene: EPHA2 (EPH receptor A2; minus strand). Cytogenetic location: 1p36.13.
Variant type: single nucleotide variant.
Coding change: c.469G>A on transcript NM_004431.5 (MANE Select); coding-DNA position 469, G replaced by A.
Protein change: p.Glu157Lys; replaces glutamic acid 157 with lysine.
Molecular consequence: missense variant.
Genome position (GRCh38, 1-based): chr1:16,148,732, C>T on the plus strand (G>A on the coding strand, the complement: EPHA2 is on the minus strand). VCF-style: chr1-16148732-C-T. GRCh37 (hg19) VCF-style: chr1-16475227-C-T.
Other names: c.307G>A, p.Glu103Lys (NM_001329090.2); short protein forms E103K, E157K.
Identifiers: ClinVar variation 4881828 (VCV004881828.2).

ClinVar aggregate classification (germline): Uncertain significance (1 of 4 stars; one submission).

gnomAD v4.1: 15 of 1,613,700 alleles (0.00093%); highest among the groups gnomAD compares: Admixed American, 0.01%; no homozygotes.

Submission:

Dasa
Classification: Uncertain significance. Last evaluated: 2025-10-21. Review status: criteria provided, single submitter. Criteria: DASA Assertion Criteria. Collection method: clinical testing. Allele origin: germline.
Comment: NM_004431.5(EPHA2):c.469G>A (p.Glu157Lys) is a missense variant that results in the substitution of glutamic acid with lysine. This variant is rare in population databases. Computational prediction algorithms are consistent with a benign effect. The currently available literature and clinical evidence are not sufficient to establish a definitive association between this variant and the reported condition. Therefore, this variant is classified as a variant of uncertain significance.